The following continues an entry in ClinVar:

NM_000059.4(BRCA2):c.1127T>G (p.Phe376Cys)

Gene: BRCA2. ClinVar aggregate classification (germline): Conflicting classifications of pathogenicity. Uncertain significance (7); Benign (1); Likely benign (2).

Submissions 9 to 13 of 13:

Women's Health and Genetics/Laboratory Corporation of America, LabCorp
Classification: Uncertain significance. Last evaluated: 2018-06-11. Review status: criteria provided, single submitter. Criteria: LabCorp Variant Classification Summary - May 2015. Collection method: clinical testing. Allele origin: germline.
Comment: Variant summary: BRCA2 c.1127T>G (p.Phe376Cys) results in a non-conservative amino acid change in the encoded protein sequence. Three of five in-silico tools predict a damaging effect of the variant on protein function. Several computational tools predict a significant impact on normal splicing: Two out of five predict the variant creates a 5 prime donor site. However, these predictions have yet to be confirmed by functional studies. The variant was absent in 120780 control chromosomes. The available data on variant occurrences in the general population are insufficient to allow any conclusion about variant significance. c.1127T>G has been reported in individuals affected with Hereditary Breast and Ovarian Cancer (NHGRI BIC database). These reports do not provide unequivocal conclusions about association of the variant with Hereditary Breast and Ovarian Cancer. To our knowledge, no experimental evidence demonstrating an impact on protein function has been reported. Five clinical diagnostic laboratories have submitted clinical-significance assessments for this variant to ClinVar after 2014 without evidence for independent evaluation. Four labs classified it as VUS and one lab classified it as likely benign. Based on the evidence outlined above, the variant was classified as uncertain significance.

GeneDx
Classification: Likely benign. Last evaluated: 2018-05-21. Review status: criteria provided, single submitter. Criteria: GeneDx Variant Classification Process June 2021. Collection method: clinical testing. Allele origin: germline. Affected: yes.
Comment: This variant is associated with the following publications: (PMID: 10923033)

Department of Medical and Surgical Sciences, University of Bologna
Classification: Likely benign for Breast-ovarian cancer, familial, susceptibility to, 2. Last evaluated: 2023-09-01. Review status: no assertion criteria provided. Collection method: clinical testing. Allele origin: germline. Affected: yes. Not counted in ClinVar's aggregate classification.
Comment: PM2(Supporting)+BP1(Strong)+BP5(Moderate) according to ACMG/AMP classification guidelines specified for BRCA1 & BRCA2 (Classification Criteria V1.0.0 2023-09-08) (PMID: 38160042)

Counsyl
Classification: Uncertain significance for Breast-ovarian cancer, familial, susceptibility to, 2. Last evaluated: 2016-03-08. Review status: no assertion criteria provided. Collection method: clinical testing. Allele origin: unknown. Not counted in ClinVar's aggregate classification.

Breast Cancer Information Core (BIC) (BRCA2)
Classification: Uncertain significance for Breast-ovarian cancer, familial 2. Last evaluated: 2004-02-20. Review status: no assertion criteria provided. Collection method: clinical testing. Allele origin: germline. Affected: yes. Observed: 2 variant alleles. Not counted in ClinVar's aggregate classification.

Literature cited by the submitters: PubMed 10923033 (cited by Labcorp Genetics (formerly Invitae), Labcorp); PubMed 34572941 (cited by 3 submitters); PubMed 33471991 (cited by 3 submitters); PubMed 31911673 (cited by Quest Diagnostics Nichols Institute San Juan Capistrano); PubMed 31853058 (cited by 3 submitters); PubMed 31131967 (cited by 3 submitters); PubMed 25085752 (cited by Quest Diagnostics Nichols Institute San Juan Capistrano and Myriad Genetics, Inc.); PubMed 21523855 (cited by Quest Diagnostics Nichols Institute San Juan Capistrano and Women's Health and Genetics/Laboratory Corporation of America, LabCorp); PubMed 38153744 (cited by Quest Diagnostics Nichols Institute San Juan Capistrano); PubMed 38160042 (cited by Quest Diagnostics Nichols Institute San Juan Capistrano); PubMed 35979650 (cited by Quest Diagnostics Nichols Institute San Juan Capistrano); PubMed 35585550 (cited by Quest Diagnostics Nichols Institute San Juan Capistrano); PubMed 30702160 (cited by Quest Diagnostics Nichols Institute San Juan Capistrano); PubMed 36922933 (cited by Quest Diagnostics Nichols Institute San Juan Capistrano); PubMed 35729312 (cited by Quest Diagnostics Nichols Institute San Juan Capistrano); PubMed 29884841 (cited by Quest Diagnostics Nichols Institute San Juan Capistrano); PubMed 20167696 (cited by Quest Diagnostics Nichols Institute San Juan Capistrano and Women's Health and Genetics/Laboratory Corporation of America, LabCorp).